The following is an entry in ClinVar:

ClinVar aggregate classification (germline): Uncertain significance (1 of 4 stars; one submission).

gnomAD v4.1: 3 of 1,613,250 alleles (0.00019%); highest among the groups gnomAD compares: Admixed American, 0.005%; no homozygotes.

Submission:

GeneDx
Classification: Uncertain significance. Last evaluated: 2023-12-26. Review status: criteria provided, single submitter. Criteria: GeneDx Variant Classification Process June 2021. Collection method: clinical testing. Allele origin: germline. Affected: yes.
Comment: Not observed at significant frequency in large population cohorts (gnomAD); In silico analysis supports that this missense variant does not alter protein structure/function; Has not been previously published as pathogenic or benign to our knowledge

NM_138395.4(MARS2):c.169G>A (p.Ala57Thr)

Genes: MARS2 (methionyl-tRNA synthetase 2, mitochondrial; plus strand), LOC129935365 (ATAC-STARR-seq lymphoblastoid active region 16942; plus strand). Cytogenetic location: 2q33.1.
Variant type: single nucleotide variant.
Coding change: c.169G>A on transcript NM_138395.4 (MANE Select); coding-DNA position 169, G replaced by A.
Protein change: p.Ala57Thr; replaces alanine 57 with threonine.
Molecular consequence: missense variant.
Genome position (GRCh38, 1-based): chr2:197,705,574, G>A. VCF-style: chr2-197705574-G-A. GRCh37 (hg19) VCF-style: chr2-198570298-G-A.
Other names: short protein forms A57T.
Identifiers: ClinVar variation 3370078 (VCV003370078.1).